The following is an entry in ClinVar:

ClinVar aggregate classification (germline): Likely pathogenic (1 of 4 stars; one submission).

Conditions:
Complement component 3 deficiency. Identifiers: Orphanet 280133, MedGen C3151071, MONDO:0013417, OMIM 613779.

gnomAD v4.1: 10 of 1,613,362 alleles (0.00062%); highest among the groups gnomAD compares: East Asian, 0.0045%; no homozygotes.

Submission:

Genomenon, Inc
Classification: Likely pathogenic for Complement component 3 deficiency. Last evaluated: 2025-09-30. Review status: criteria provided, single submitter. Criteria: Genomenon Sequence Variant Interpretation Standards. Collection method: curation. Allele origin: germline. Affected: yes.
Comment: C3 c.1269+5G>A is a splice variant located in the donor splice region of intron 11. This variant has been observed in at least one proband affected with C3 deficiency (PMID:39114852;26435005). The variant was found to segregate with disease in at least one affected family (PMID:39114852). It is absent or not present at a significant frequency in gnomAD. In silico models agree that this variant is possibly or probably damaging. In conclusion, we classify C3 c.1269+5G>A as a likely pathogenic variant.

Literature cited by the submitters: PubMed 39114852; PubMed 26435005.

NM_000064.4(C3):c.1269+5G>A

Gene: C3 (complement C3; minus strand). Cytogenetic location: 19p13.3.
Variant type: single nucleotide variant.
Coding change: c.1269+5G>A on transcript NM_000064.4 (MANE Select); 5 bases into the intron after coding-DNA position 1269, G replaced by A.
Molecular consequence: intron variant.
Genome position (GRCh38, 1-based): chr19:6,712,252, C>T on the plus strand (G>A on the coding strand, the complement: C3 is on the minus strand). VCF-style: chr19-6712252-C-T. GRCh37 (hg19) VCF-style: chr19-6712263-C-T.
Identifiers: ClinVar variation 4280220 (VCV004280220.1).